The following is an entry in ClinVar:

ClinVar aggregate classification (germline): Uncertain significance (1 of 4 stars; one submission).

Conditions:
Cardiovascular phenotype. Identifiers: MedGen CN230736.
Hereditary cancer-predisposing syndrome. Also called: Neoplastic Syndromes, Hereditary; Tumor predisposition; Hereditary Cancer Syndrome; Hereditary neoplastic syndrome. Identifiers: Orphanet 140162, MedGen C0027672, MeSH D009386, MONDO:0015356.

Submission:

Ambry Genetics
Classification: Uncertain significance for Cardiovascular phenotype; Hereditary cancer-predisposing syndrome. Last evaluated: 2021-12-22. Review status: criteria provided, single submitter. Criteria: Ambry Variant Classification Scheme 2023. Collection method: clinical testing. Allele origin: germline.
Comment: The c.1261-3T>C intronic variant results from a T to C substitution 3 nucleotides upstream from coding exon 12 in the NF1 gene. This nucleotide position is poorly conserved in available vertebrate species. In silico splice site analysis predicts that this alteration will not have any significant effect on splicing. Since supporting evidence is limited at this time, the clinical significance of this alteration remains unclear.

NM_001042492.3(NF1):c.1261-3T>C

Gene: NF1 (neurofibromin 1; plus strand). Cytogenetic location: 17q11.2.
Variant type: single nucleotide variant.
Coding change: c.1261-3T>C on transcript NM_001042492.3 (MANE Select); 3 bases into the intron before coding-DNA position 1261, T replaced by C.
Molecular consequence: intron variant.
Genome position (GRCh38, 1-based): chr17:31,206,237, T>C. VCF-style: chr17-31206237-T-C. GRCh37 (hg19) VCF-style: chr17-29533255-T-C.
Other names: c.1261-3T>C (NM_000267.4, NM_001128147.3).
Identifiers: ClinVar variation 1763223 (VCV001763223.2), dbSNP rs761761583, ClinGen allele CA2580093018.
Genomic context (GRCh38, chr17:31,206,237, plus strand): 5'-ACAGAGCATACAACTCACGTAATTTTGTACTTTTTCTTCCTATTGGTCTTTGTTTTTCTC[T>C]AGTCCGCATTGGATTGGTGGCCTAAGATTGATGCTGTGTATTGTCACTCGGTTGAACTTC-3'